The following is an entry in ClinVar:

ClinVar aggregate classification (germline): Uncertain significance. Review status: criteria provided, multiple submitters, no conflicts (2 of 4 stars). 3 submissions from 3 submitters: Uncertain significance (3). Last evaluated 2025-11-25.

Conditions:
Episodic kinesigenic dyskinesia (EKD). Also called: Paroxysmal kinesigenic dyskinesia. Identifiers: Orphanet 98809, MedGen C1868682, MONDO:0044202.
Inborn genetic diseases. Identifiers: MedGen C0950123, MeSH D030342.

Allele frequency attached by ClinVar (database versions not stated): gnomAD exomes below 0.00001; gnomAD 0.00001; TOPMed 0.00003.
gnomAD v4.1: 2 of 1,596,286 alleles (0.00013%); highest among the groups gnomAD compares: African/African-American, 0.0013%; no homozygotes.

Submissions (3):

Labcorp Genetics (formerly Invitae), Labcorp
Classification: Uncertain significance for Episodic kinesigenic dyskinesia. Last evaluated: 2025-11-25. Review status: criteria provided, single submitter. Criteria: Invitae Variant Classification Sherloc (09022015). Collection method: clinical testing. Allele origin: germline.
Comment: This sequence change replaces alanine, which is neutral and non-polar, with valine, which is neutral and non-polar, at codon 289 of the PRRT2 protein (p.Ala289Val). This variant is not present in population databases (gnomAD no frequency). This variant has not been reported in the literature in individuals affected with PRRT2-related conditions. ClinVar contains an entry for this variant (Variation ID: 808028). Invitae Evidence Modeling of protein sequence and biophysical properties (such as structural, functional, and spatial information, amino acid conservation, physicochemical variation, residue mobility, and thermodynamic stability) indicates that this missense variant is not expected to disrupt PRRT2 protein function with a negative predictive value of 95%. In summary, the available evidence is currently insufficient to determine the role of this variant in disease. Therefore, it has been classified as a Variant of Uncertain Significance.

Ambry Genetics
Classification: Uncertain significance for Inborn genetic diseases. Last evaluated: 2023-12-27. Review status: criteria provided, single submitter. Criteria: Ambry Variant Classification Scheme 2023. Collection method: clinical testing. Allele origin: germline.

CeGaT Center for Human Genetics Tuebingen
Classification: Uncertain significance. Last evaluated: 2019-05-01. Review status: criteria provided, single submitter. Criteria: CeGaT Center For Human Genetics Tuebingen Variant Classification Criteria Version 2. Collection method: clinical testing. Allele origin: germline. Affected: yes. Observed: 1 variant allele.

NM_145239.3(PRRT2):c.866C>T (p.Ala289Val)

Genes: MVP-DT (MVP divergent transcript; minus strand), PRRT2 (proline rich transmembrane protein 2; plus strand). Cytogenetic location: 16p11.2.
Variant type: single nucleotide variant.
Coding change: c.866C>T on transcript NM_145239.3 (MANE Select); coding-DNA position 866, C replaced by T.
Protein change: p.Ala289Val; replaces alanine 289 with valine.
Molecular consequence: missense variant.
Genome position (GRCh38, 1-based): chr16:29,813,920, C>T. VCF-style: chr16-29813920-C-T. GRCh37 (hg19) VCF-style: chr16-29825241-C-T.
Other names: c.866C>T, p.Ala289Val (NM_001256442.2, NM_001256443.2); c.866C>T (NM_145239.2); short protein forms A289V.
Identifiers: ClinVar variation 808028 (VCV000808028.49), dbSNP rs1446585759, ClinGen allele CA395480201.